The following is an entry in ClinVar:

NM_006206.6(PDGFRA):c.1352A>G (p.Lys451Arg)

Gene: PDGFRA (platelet derived growth factor receptor alpha; plus strand). Cytogenetic location: 4q12.
Variant type: single nucleotide variant.
Coding change: c.1352A>G on transcript NM_006206.6 (MANE Select); coding-DNA position 1352, A replaced by G.
Protein change: p.Lys451Arg; replaces lysine 451 with arginine.
Molecular consequence: missense variant.
Genome position (GRCh38, 1-based): chr4:54,272,508, A>G. VCF-style: chr4-54272508-A-G. GRCh37 (hg19) VCF-style: chr4-55138675-A-G.
Other names: c.1352A>G, p.Lys451Arg (NM_001347827.2, NM_001347829.2); c.1427A>G, p.Lys476Arg (NM_001347828.2); c.1391A>G, p.Lys464Arg (NM_001347830.2); short protein forms K451R, K476R, K464R.
Identifiers: ClinVar variation 528513 (VCV000528513.10), dbSNP rs1178568199, ClinGen allele CA356892373.

ClinVar aggregate classification (germline): Uncertain significance. Review status: criteria provided, multiple submitters, no conflicts (2 of 4 stars). 2 submissions from 2 submitters: Uncertain significance (2). Last evaluated 2024-12-15.

Conditions:
Hereditary cancer-predisposing syndrome. Also called: Tumor predisposition; Hereditary neoplastic syndrome; Hereditary Cancer Syndrome; Neoplastic Syndromes, Hereditary. Identifiers: Orphanet 140162, MedGen C0027672, MeSH D009386, MONDO:0015356.
Gastrointestinal stromal tumor. Also called: Gastrointestinal stroma tumor; Gastrointestinal stromal tumor, somatic. Identifiers: Orphanet 44890, MedGen C0238198, MeSH D046152, MONDO:0011719, OMIM 606764, HP:0100723.

Submissions (2):

Ambry Genetics
Classification: Uncertain significance for Hereditary cancer-predisposing syndrome. Last evaluated: 2024-12-15. Review status: criteria provided, single submitter. Criteria: Ambry Variant Classification Scheme 2023. Collection method: clinical testing. Allele origin: germline.
Comment: The p.K451R variant (also known as c.1352A>G), located in coding exon 8 of the PDGFRA gene, results from an A to G substitution at nucleotide position 1352. The lysine at codon 451 is replaced by arginine, an amino acid with highly similar properties. This amino acid position is conserved. In addition, this alteration is predicted to be tolerated by in silico analysis. Based on the available evidence, the clinical significance of this variant remains unclear.

Labcorp Genetics (formerly Invitae), Labcorp
Classification: Uncertain significance for Gastrointestinal stromal tumor. Last evaluated: 2022-08-15. Review status: criteria provided, single submitter. Criteria: Invitae Variant Classification Sherloc (09022015). Collection method: clinical testing. Allele origin: germline.
Comment: In summary, the available evidence is currently insufficient to determine the role of this variant in disease. Therefore, it has been classified as a Variant of Uncertain Significance. This sequence change replaces lysine, which is basic and polar, with arginine, which is basic and polar, at codon 451 of the PDGFRA protein (p.Lys451Arg). This variant is not present in population databases (gnomAD no frequency). This variant has not been reported in the literature in individuals affected with PDGFRA-related conditions. ClinVar contains an entry for this variant (Variation ID: 528513). Algorithms developed to predict the effect of missense changes on protein structure and function output the following: SIFT: "Tolerated"; PolyPhen-2: "Benign"; Align-GVGD: "Class C0". The arginine amino acid residue is found in multiple mammalian species, which suggests that this missense change does not adversely affect protein function.